The following is an entry in ClinVar:

NM_001905.4(CTPS1):c.1604A>G (p.Lys535Arg)

Gene: CTPS1 (CTP synthase 1; plus strand). Cytogenetic location: 1p34.2.
Variant type: single nucleotide variant.
Coding change: c.1604A>G on transcript NM_001905.4 (MANE Select); coding-DNA position 1604, A replaced by G.
Protein change: p.Lys535Arg; replaces lysine 535 with arginine.
Molecular consequence: missense variant. On other transcripts: non-coding transcript variant (1).
Genome position (GRCh38, 1-based): chr1:41,009,502, A>G. VCF-style: chr1-41009502-A-G. GRCh37 (hg19) VCF-style: chr1-41475174-A-G.
Other names: c.1136A>G, p.Lys379Arg (NM_001301237.2); short protein forms K535R, K379R.
Identifiers: ClinVar variation 2004822 (VCV002004822.4), dbSNP rs1194994072, ClinGen allele CA339906595.

ClinVar aggregate classification (germline): Uncertain significance (1 of 4 stars; one submission).

Conditions:
Combined immunodeficiency due to CTPS1 deficiency. Also called: Severe combined immunodeficiency due to CTPS1 deficiency; Immunodeficiency 24. Identifiers: Orphanet 420573, MedGen C4014617, MONDO:0014391, OMIM 615897.

Allele frequency attached by ClinVar (database versions not stated): TOPMed 0.00001.

Submission:

Labcorp Genetics (formerly Invitae), Labcorp
Classification: Uncertain significance for Combined immunodeficiency due to CTPS1 deficiency. Last evaluated: 2022-07-14. Review status: criteria provided, single submitter. Criteria: Invitae Variant Classification Sherloc (09022015). Collection method: clinical testing. Allele origin: germline.
Comment: Algorithms developed to predict the effect of missense changes on protein structure and function (SIFT, PolyPhen-2, Align-GVGD) all suggest that this variant is likely to be tolerated. This variant has not been reported in the literature in individuals affected with CTPS1-related conditions. This variant is not present in population databases (gnomAD no frequency). This sequence change replaces lysine, which is basic and polar, with arginine, which is basic and polar, at codon 535 of the CTPS1 protein (p.Lys535Arg). In summary, the available evidence is currently insufficient to determine the role of this variant in disease. Therefore, it has been classified as a Variant of Uncertain Significance.